The following continues an entry in ClinVar:

NM_000277.3(PAH):c.688G>A (p.Val230Ile)

Gene: PAH. ClinVar aggregate classification (germline): Likely pathogenic. Likely pathogenic (1).

Submissions 27 to 38 of 38:

Molecular Genetics, Royal Melbourne Hospital
Classification: Pathogenic for Phenylketonuria. Last evaluated: 2020-11-30. Review status: criteria provided, single submitter. Criteria: ACMG Guidelines, 2015. Collection method: clinical testing. Allele origin: germline. Affected: yes. Not counted in ClinVar's aggregate classification.
Comment: This sequence change is predicted to replace valine with isoleucine at codon 230 of the PAH protein (p.Val230Ile). The valine residue is not conserved (100 vertebrates, UCSC), and is located in the catalytic Biopterin H domain. There is a small physicochemical difference between valine and isoleucine. The variant is present in a large population cohort at a frequency of 0.05% (rs62516152, 141/282,716 alleles, 0 homozygotes in gnomAD v2.1.1). It has consistently been identified in cases with mild hyperphenylalaninemia or mild phenylketonuria in the homozygous state or compound heterozygote with a second pathogenic allele (PMID: 18299955, 21871829, 23764561, 24048906 - PM3_VeryStrong). Cases have PAH deficiency with acquired hyperphenylalaninemia ruled out (PMID: 8268925 - PP4_Moderate). The average residual mutant enzyme activity is 63% (PMID: 11161839). Multiple lines of computational evidence have conflicting predictions for the missense substitution (3/7 algorithms). Additionally, a different missense change at the same residue (p.Val230Ala), determined to be likely pathogenic has been seen previously (PM5_Supporting). Based on the classification scheme RMH ACMG Guidelines v1.1.1 and disease-specific specifications from the PAH VCEP, this variant is classified as PATHOGENIC. Following criteria are met: PM3_VeryStrong, PP4_Moderate, PM5_Supporting.

Myriad Genetics, Inc.
Classification: Likely pathogenic for Phenylketonuria. Last evaluated: 2019-12-26. Review status: criteria provided, single submitter. Criteria: Myriad Women's Health Autosomal Recessive and X-Linked Classification Criteria (2019). Collection method: clinical testing. Allele origin: unknown. Not counted in ClinVar's aggregate classification.
Comment: NM_000277.1(PAH):c.688G>A(V230I) is classified as likely pathogenic in the context of phenylalanine hydroxylase deficiency and can be associated with variant or non-PKU HPA. Sources cited for classification include the following: PMID 11161839, 21147011, 17924342, 23764561, 9012412, 17096675, 21871829, 11678552, 10679941, 16198137, 10598814, 10693064, 10234516, 12655553, 24048906, 18299955, 23500595, 23792259, 8088845, 8268925 and 10679941. Classification of NM_000277.1(PAH):c.688G>A(V230I) is based on the following criteria: This variant has been observed more frequently in patients with clinical diagnoses than in healthy populations. Please note: this variant was assessed in the context of healthy population screening.

Genomic Research Center, Shahid Beheshti University of Medical Sciences
Classification: Likely pathogenic for Phenylketonuria. Last evaluated: 2017-12-03. Review status: criteria provided, single submitter. Criteria: ACMG Guidelines, 2015. Collection method: clinical testing. Allele origin: inherited. Not counted in ClinVar's aggregate classification.

Women's Health and Genetics/Laboratory Corporation of America, LabCorp
Classification: Pathogenic for Phenylketonuria. Last evaluated: 2016-03-03. Review status: criteria provided, single submitter. Criteria: LabCorp Variant Classification Summary - May 2015. Collection method: clinical testing. Allele origin: germline. Not counted in ClinVar's aggregate classification.
Comment: Variant summary: The c.688G>A in PAH gene is a missense variant that involves a conserved nucleotide and 3/5 in silico tools predict benign outcome. The variant is present in the broad control population dataset of ExAC at a low frequency (0.042%), which does not exceed the maximum frequency for a pathogenic variant in PAH gene (0.79%). The variant has been reported in multiple pts presented with mild hyperphenylalaninemia or mild PKU with the remaining enzymatic activity being about 63% of normal. In general, patients with mild hyperphenylalaninemia do not require restrictive diet or supplementary treatment unless Phe concentrations reach the clinical threshold. Taken together, the variant was classified as Pathogenic for Mild Hyperphenylalaninemia.

Clinical Genetics DNA and cytogenetics Diagnostics Lab, Erasmus MC, Erasmus Medical Center
Classification: Pathogenic for Phenylketonuria. Last evaluated: 2016-01-18. Review status: criteria provided, single submitter. Criteria: ACGS Guidelines, 2013. Collection method: clinical testing. Allele origin: germline. Affected: yes. Study: VKGL Data-share Consensus. Not counted in ClinVar's aggregate classification.

Genome Diagnostics Laboratory, University Medical Center Utrecht
Classification: Pathogenic for Phenylketonuria. Last evaluated: 2014-10-08. Review status: criteria provided, single submitter. Criteria: ACGS Guidelines, 2013. Collection method: clinical testing. Allele origin: germline. Affected: yes. Study: VKGL Data-share Consensus. Not counted in ClinVar's aggregate classification.

Clinical Genetics Service, Universitary Hospital 12 de Octubre
Classification: Pathogenic for Phenylketonuria. Review status: criteria provided, single submitter. Criteria: ACMG Guidelines, 2015. Collection method: clinical testing. Allele origin: germline. Affected: yes. Not counted in ClinVar's aggregate classification.

Hadassah Hebrew University Medical Center
Classification: Pathogenic for Phenylketonuria. Review status: criteria provided, single submitter. Criteria: ACMG Guidelines, 2015. Collection method: research. Allele origin: germline. Affected: no. Observed: 2 variant alleles. Not counted in ClinVar's aggregate classification.

Juno Genomics, Hangzhou Juno Genomics, Inc
Classification: Pathogenic for Phenylketonuria. Review status: criteria provided, single submitter. Criteria: ACMG Guidelines, 2015. Collection method: clinical testing. Allele origin: germline. Affected: yes. Not counted in ClinVar's aggregate classification.
Comment: Novel missense change at an amino acid residue where a different missense change determined to be pathogenic has been seen before.;For recessive disorders, detected in trans with a pathogenic variant.;Patient's phenotype or family history is highly specific for a disease with a single genetic etiology.

Kariminejad - Najmabadi Pathology & Genetics Center
Classification: Pathogenic for Phenylketonuria. Review status: criteria provided, single submitter. Criteria: ACMG Guidelines, 2015. Collection method: clinical testing. Allele origin: germline. Affected: no. Not counted in ClinVar's aggregate classification.

DeBelle Laboratory for Biochemical Genetics, MUHC/MCH RESEARCH INSTITUTE
No classification provided. Review status: no classification provided. Collection method: not provided. Allele origin: not provided. Not counted in ClinVar's aggregate classification.

Diagnostic Laboratory, Department of Genetics, University Medical Center Groningen
Classification: Pathogenic. Review status: no assertion criteria provided. Collection method: clinical testing. Allele origin: germline. Affected: yes. Study: VKGL Data-share Consensus. Not counted in ClinVar's aggregate classification.

Literature cited by the submitters: PubMed 15943553 (cited by 3 submitters); PubMed 21147011 (cited by 3 submitters); PubMed 8268925 (cited by 9 submitters); PubMed 18299955 (cited by 10 submitters); PubMed 21871829 (cited by 5 submitters); PubMed 23764561 (cited by 6 submitters); PubMed 24048906 (cited by 6 submitters); PubMed 10598814 (cited by 4 submitters); PubMed 17096675 (cited by 4 submitters); PubMed 17935162 (cited by 5 submitters); PubMed 23500595 (cited by 4 submitters); PubMed 23792259 (cited by 6 submitters); PubMed 25087612 (cited by Labcorp Genetics (formerly Invitae), Labcorp and Quest Diagnostics Nichols Institute San Juan Capistrano); PubMed 11161839 (cited by 6 submitters); PubMed 2114701 (cited by 3billion); PubMed 10679941 (cited by Quest Diagnostics Nichols Institute San Juan Capistrano and Myriad Genetics, Inc.); PubMed 11678552 (cited by Quest Diagnostics Nichols Institute San Juan Capistrano and Myriad Genetics, Inc.); PubMed 12655553 (cited by Quest Diagnostics Nichols Institute San Juan Capistrano and Myriad Genetics, Inc.); PubMed 16198137 (cited by Quest Diagnostics Nichols Institute San Juan Capistrano and Myriad Genetics, Inc.); PubMed 31998365 (cited by Quest Diagnostics Nichols Institute San Juan Capistrano); PubMed 30747360 (cited by Quest Diagnostics Nichols Institute San Juan Capistrano); PubMed 33101986 (cited by Quest Diagnostics Nichols Institute San Juan Capistrano); PubMed 31355225 (cited by Quest Diagnostics Nichols Institute San Juan Capistrano and Johns Hopkins Genomics, Johns Hopkins University); PubMed 30311390 (cited by Quest Diagnostics Nichols Institute San Juan Capistrano and Johns Hopkins Genomics, Johns Hopkins University); PubMed 28182360 (cited by Quest Diagnostics Nichols Institute San Juan Capistrano and Johns Hopkins Genomics, Johns Hopkins University); PubMed 38731816 (cited by Quest Diagnostics Nichols Institute San Juan Capistrano); PubMed 38481932 (cited by Quest Diagnostics Nichols Institute San Juan Capistrano); PubMed 29316886 (cited by New York Genome Center); PubMed 32668217 (cited by New York Genome Center); PubMed 36787440 (cited by New York Genome Center); PubMed 34828281 (cited by New York Genome Center); PubMed 23842451 (cited by Mayo Clinic Laboratories, Mayo Clinic); PubMed 8088845 (cited by Mayo Clinic Laboratories, Mayo Clinic and Myriad Genetics, Inc.); PubMed 17924342 (cited by Myriad Genetics, Inc.); PubMed 9012412 (cited by Myriad Genetics, Inc.); PubMed 10693064 (cited by Myriad Genetics, Inc.); PubMed 10234516 (cited by Myriad Genetics, Inc.); PubMed 8830172 (cited by Women's Health and Genetics/Laboratory Corporation of America, LabCorp).